The following is an entry in ClinVar:

ClinVar aggregate classification (germline): Conflicting classifications of pathogenicity. Review status: criteria provided, conflicting classifications (1 of 4 stars). 4 submissions from 4 submitters: Uncertain significance (2); Benign (1); Likely benign (1). Last evaluated 2025-05-01.

Conditions:
MYPN-related disorder. Also called: MYPN-related condition.
Cardiovascular phenotype. Identifiers: MedGen CN230736.
Dilated cardiomyopathy 1KK (CMD1KK). Identifiers: Orphanet 154, Orphanet 75249, MedGen C3714995, MONDO:0014100, OMIM 615248.

Allele frequency attached by ClinVar (database versions not stated): gnomAD 0.00001; TOPMed 0.00013; ExAC 0.00021; gnomAD exomes 0.00022.
gnomAD v4.1: 65 of 1,614,018 alleles (0.004%); highest among the groups gnomAD compares: Admixed American, 0.11%; no homozygotes.

Submissions (4):

PreventionGenetics, part of Exact Sciences
Classification: Likely benign for MYPN-related condition. Last evaluated: 2025-05-01. Review status: criteria provided, single submitter. Criteria: ACMG Guidelines, 2015. Collection method: clinical testing. Allele origin: germline.
Comment: This variant is classified as likely benign based on ACMG/AMP sequence variant interpretation guidelines (Richards et al. 2015 PMID: 25741868, with internal and published modifications).

GeneDx
Classification: Uncertain significance. Last evaluated: 2024-10-03. Review status: criteria provided, single submitter. Criteria: GeneDx Variant Classification Process June 2021. Collection method: clinical testing. Allele origin: germline. Affected: yes.
Comment: Has not been previously published as pathogenic or benign to our knowledge; In silico analysis supports that this missense variant has a deleterious effect on protein structure/function

Ambry Genetics
Classification: Benign for Cardiovascular phenotype. Last evaluated: 2023-10-24. Review status: criteria provided, single submitter. Criteria: Ambry Variant Classification Scheme 2023. Collection method: clinical testing. Allele origin: germline.

Labcorp Genetics (formerly Invitae), Labcorp
Classification: Uncertain significance for Dilated cardiomyopathy 1KK. Last evaluated: 2022-10-03. Review status: criteria provided, single submitter. Criteria: Invitae Variant Classification Sherloc (09022015). Collection method: clinical testing. Allele origin: germline.
Comment: This sequence change replaces histidine, which is basic and polar, with glutamine, which is neutral and polar, at codon 934 of the MYPN protein (p.His934Gln). This variant is present in population databases (rs752426180, gnomAD 0.1%). This variant has not been reported in the literature in individuals affected with MYPN-related conditions. ClinVar contains an entry for this variant (Variation ID: 263796). Algorithms developed to predict the effect of missense changes on protein structure and function are either unavailable or do not agree on the potential impact of this missense change (SIFT: "Tolerated"; PolyPhen-2: "Probably Damaging"; Align-GVGD: "Class C0"). In summary, the available evidence is currently insufficient to determine the role of this variant in disease. Therefore, it has been classified as a Variant of Uncertain Significance.

NM_032578.4(MYPN):c.2802T>A (p.His934Gln)

Gene: MYPN (myopalladin; plus strand). Cytogenetic location: 10q21.3.
Variant type: single nucleotide variant.
Coding change: c.2802T>A on transcript NM_032578.4 (MANE Select); coding-DNA position 2802, T replaced by A.
Protein change: p.His934Gln; replaces histidine 934 with glutamine.
Molecular consequence: missense variant. On other transcripts: non-coding transcript variant (2).
Genome position (GRCh38, 1-based): chr10:68,189,003, T>A. VCF-style: chr10-68189003-T-A. GRCh37 (hg19) VCF-style: chr10-69948760-T-A.
Other names: c.2802T>A, p.His934Gln (NM_001256267.2); c.1920T>A, p.His640Gln (NM_001256268.2); short protein forms H934Q, H640Q.
Identifiers: ClinVar variation 263796 (VCV000263796.17), dbSNP rs752426180, ClinGen allele CA5522871.
Genomic context (GRCh38, chr10:68,189,003, plus strand): 5'-TGAAATAGAGTTTCGCTTGGAACGTACTCCTGTTGATGAATCAGATGATGAAATTCAACA[T>A]GATGAGATCCCCACGGGCAAGTGTATTGCTCCCATCTTTGACAAGAGACTCAAGCACTTC-3'
Protein context (NP_115967.2, residues 924-944): PVDESDDEIQ[His934Gln]DEIPTGKCIA